The following is an entry in ClinVar:

NM_005909.5(MAP1B):c.4016C>T (p.Ser1339Phe)

Gene: MAP1B (microtubule associated protein 1B; plus strand). Cytogenetic location: 5q13.2.
Variant type: single nucleotide variant.
Coding change: c.4016C>T on transcript NM_005909.5 (MANE Select); coding-DNA position 4016, C replaced by T.
Protein change: p.Ser1339Phe; replaces serine 1339 with phenylalanine.
Molecular consequence: missense variant.
Genome position (GRCh38, 1-based): chr5:72,197,371, C>T. VCF-style: chr5-72197371-C-T. GRCh37 (hg19) VCF-style: chr5-71493198-C-T.
Other names: c.3638C>T, p.Ser1213Phe (NM_001324255.2); short protein forms S1213F, S1339F.
Identifiers: ClinVar variation 5006923 (VCV005006923.2).

ClinVar aggregate classification (germline): Uncertain significance (1 of 4 stars; one submission).

Conditions:
Periventricular nodular heterotopia 9. Identifiers: MedGen C5394503, MONDO:0030061, OMIM 618918.
Hearing loss, autosomal dominant 83. Also called: Deafness, autosomal dominant 83. Identifiers: MedGen C5676951, MONDO:0030723, OMIM 619808.

Submission:

Juno Genomics, Hangzhou Juno Genomics, Inc
Classification: Uncertain significance for Hearing loss, autosomal dominant 83; Periventricular nodular heterotopia 9. Review status: criteria provided, single submitter. Criteria: ACMG Guidelines, 2015. Collection method: clinical testing. Allele origin: germline.
Comment: Absent from controls (or at extremely low frequency if recessive) in Genome Aggregation Database.;Missense variant in a gene that has a low rate of benign missense variation.